The following is an entry in ClinVar:

NM_021098.3(CACNA1H):c.2410C>T (p.Leu804Phe)

Gene: CACNA1H (calcium voltage-gated channel subunit alpha1 H; plus strand). Cytogenetic location: 16p13.3.
Variant type: single nucleotide variant.
Coding change: c.2410C>T on transcript NM_021098.3 (MANE Select); coding-DNA position 2410, C replaced by T.
Protein change: p.Leu804Phe; replaces leucine 804 with phenylalanine.
Molecular consequence: missense variant.
Genome position (GRCh38, 1-based): chr16:1,204,417, C>T. VCF-style: chr16-1204417-C-T. GRCh37 (hg19) VCF-style: chr16-1254417-C-T.
Other names: c.2410C>T, p.Leu804Phe (NM_001005407.2); short protein forms L804F.
Identifiers: ClinVar variation 2924398 (VCV002924398.3), dbSNP rs1413662814, ClinGen allele CA394166538.

ClinVar aggregate classification (germline): Uncertain significance (1 of 4 stars; one submission).

Conditions:
Idiopathic generalized epilepsy. Also called: Generalised epilepsy; EIG. Identifiers: MedGen C0270850, MONDO:0005579, OMIM 600669.
Hyperaldosteronism, familial, type IV (HALD4). Also called: FH IV; ALDOSTERONISM, PRIMARY, AND HYPERTENSION. Identifiers: Orphanet 642671, MedGen C4310756, MONDO:0014875, OMIM 617027.

Allele frequency attached by ClinVar (database versions not stated): gnomAD exomes 0.00001; gnomAD 0.00003.
gnomAD v4.1: 7 of 1,551,152 alleles (0.00045%); highest among the groups gnomAD compares: African/African-American, 0.0068%; no homozygotes.

Submission:

Labcorp Genetics (formerly Invitae), Labcorp
Classification: Uncertain significance for Idiopathic generalized epilepsy; Hyperaldosteronism, familial, type IV. Last evaluated: 2023-09-29. Review status: criteria provided, single submitter. Criteria: Invitae Variant Classification Sherloc (09022015). Collection method: clinical testing. Allele origin: germline.
Comment: In summary, the available evidence is currently insufficient to determine the role of this variant in disease. Therefore, it has been classified as a Variant of Uncertain Significance. Advanced modeling of protein sequence and biophysical properties (such as structural, functional, and spatial information, amino acid conservation, physicochemical variation, residue mobility, and thermodynamic stability) performed at Invitae indicates that this missense variant is expected to disrupt CACNA1H protein function. This variant has not been reported in the literature in individuals affected with CACNA1H-related conditions. This variant is present in population databases (no rsID available, gnomAD 0.004%). This sequence change replaces leucine, which is neutral and non-polar, with phenylalanine, which is neutral and non-polar, at codon 804 of the CACNA1H protein (p.Leu804Phe).